The following is an entry in ClinVar:

ClinVar aggregate classification (germline): Uncertain significance. Review status: criteria provided, multiple submitters, no conflicts (2 of 4 stars). 5 submissions from 5 submitters: Uncertain significance (4). 1 of the submissions does not count toward it. Last evaluated 2026-04-20.

Conditions:
FH-related disorder. Also called: FH-related condition; FH-related disorders.
Fumarase deficiency (FMRD). Also called: Fumaric aciduria; Fumarate Hydratase Deficiency. Identifiers: Orphanet 24, MedGen C0342770, MONDO:0011730, OMIM 606812.
Hereditary cancer-predisposing syndrome. Also called: Hereditary neoplastic syndrome; Hereditary Cancer Syndrome; Neoplastic Syndromes, Hereditary; Tumor predisposition. Identifiers: Orphanet 140162, MedGen C0027672, MeSH D009386, MONDO:0015356.

Allele frequency attached by ClinVar (database versions not stated): ESP Exome Variant Server 0.00008.

Submissions (5):

Ambry Genetics
Classification: Uncertain significance for Hereditary cancer-predisposing syndrome. Last evaluated: 2026-04-20. Review status: criteria provided, single submitter. Criteria: Ambry Variant Classification Scheme 2023. Collection method: clinical testing. Allele origin: germline.
Comment: The p.T474I variant (also known as c.1421C>T), located in coding exon 10 of the FH gene, results from a C to T substitution at nucleotide position 1421. The threonine at codon 474 is replaced by isoleucine, an amino acid with similar properties. This amino acid position is highly conserved in available vertebrate species. In addition, the in silico prediction for this alteration is inconclusive. Based on the available evidence, the clinical significance of this variant remains unclear.

Labcorp Genetics (formerly Invitae), Labcorp
Classification: Uncertain significance. Last evaluated: 2025-08-13. Review status: criteria provided, single submitter. Criteria: Invitae Variant Classification Sherloc (09022015). Collection method: clinical testing. Allele origin: germline.
Comment: This sequence change replaces threonine, which is neutral and polar, with isoleucine, which is neutral and non-polar, at codon 474 of the FH protein (p.Thr474Ile). This variant is present in population databases (rs369802820, gnomAD 0.002%). This variant has not been reported in the literature in individuals affected with FH-related conditions. ClinVar contains an entry for this variant (Variation ID: 529801). Invitae Evidence Modeling of protein sequence and biophysical properties (such as structural, functional, and spatial information, amino acid conservation, physicochemical variation, residue mobility, and thermodynamic stability) has been performed for this missense variant. However, the output from this modeling did not meet the statistical confidence thresholds required to predict the impact of this variant on FH protein function. In summary, the available evidence is currently insufficient to determine the role of this variant in disease. Therefore, it has been classified as a Variant of Uncertain Significance.

PreventionGenetics, part of Exact Sciences
Classification: Uncertain significance for FH-related condition. Last evaluated: 2025-07-15. Review status: criteria provided, single submitter. Criteria: ACMG Guidelines, 2015. Collection method: clinical testing. Allele origin: germline.
Comment: The FH c.1421C>T variant is predicted to result in the amino acid substitution p.Thr474Ile. This variant was identified in an individual with a pheochromocytoma; however immunohistochemistry staining indicates normal FH levels suggesting this variant does not impact FH protein expression (Fuchs et al. 2022. PubMed ID: 35993574). This variant is reported in 0.0018% of alleles in individuals of European (Non-Finnish) descent in gnomAD. This variant is classified as uncertain in ClinVar. At this time, the clinical significance of this variant is uncertain due to the absence of conclusive functional and genetic evidence.

Institute for Clinical Genetics, University Hospital TU Dresden, University Hospital TU Dresden
Classification: Uncertain significance. Last evaluated: 2021-11-03. Review status: criteria provided, single submitter. Criteria: ACMG Guidelines, 2015. Collection method: clinical testing. Allele origin: germline.

Natera, Inc.
Classification: Uncertain significance for Fumarase Deficiency. Last evaluated: 2019-10-28. Review status: no assertion criteria provided. Collection method: clinical testing. Allele origin: germline. Not counted in ClinVar's aggregate classification.

Literature cited by the submitters: PubMed 35993574 (cited by Ambry Genetics).

NM_000143.4(FH):c.1421C>T (p.Thr474Ile)

Gene: FH (fumarate hydratase; minus strand). Cytogenetic location: 1q43.
Variant type: single nucleotide variant.
Coding change: c.1421C>T on transcript NM_000143.4 (MANE Select); coding-DNA position 1421, C replaced by T.
Protein change: p.Thr474Ile; replaces threonine 474 with isoleucine.
Molecular consequence: missense variant.
Genome position (GRCh38, 1-based): chr1:241,497,940, G>A on the plus strand (C>T on the coding strand, the complement: FH is on the minus strand). VCF-style: chr1-241497940-G-A. GRCh37 (hg19) VCF-style: chr1-241661240-G-A.
Other names: short protein forms T474I.
Identifiers: ClinVar variation 529801 (VCV000529801.24), dbSNP rs369802820, ClinGen allele CA1478441.